The following is an entry in ClinVar:

ClinVar aggregate classification (germline): Uncertain significance (1 of 4 stars; one submission).

Submission:

Labcorp Genetics (formerly Invitae), Labcorp
Classification: Uncertain significance. Last evaluated: 2021-12-21. Review status: criteria provided, single submitter. Criteria: Invitae Variant Classification Sherloc (09022015). Collection method: clinical testing. Allele origin: germline.
Comment: Algorithms developed to predict the effect of missense changes on protein structure and function output the following: SIFT: "Tolerated"; PolyPhen-2: "Benign"; Align-GVGD: "Class C0". The lysine amino acid residue is found in multiple mammalian species, which suggests that this missense change does not adversely affect protein function. This sequence change replaces glutamic acid, which is acidic and polar, with lysine, which is basic and polar, at codon 256 of the ZNF469 protein (p.Glu256Lys). This variant is not present in population databases (gnomAD no frequency). This variant has not been reported in the literature in individuals affected with ZNF469-related conditions. In summary, the available evidence is currently insufficient to determine the role of this variant in disease. Therefore, it has been classified as a Variant of Uncertain Significance.

NM_001367624.2(ZNF469):c.766G>A (p.Glu256Lys)

Gene: ZNF469 (zinc finger protein 469; plus strand). Cytogenetic location: 16q24.2.
Variant type: single nucleotide variant.
Coding change: c.766G>A on transcript NM_001367624.2 (MANE Select); coding-DNA position 766, G replaced by A.
Protein change: p.Glu256Lys; replaces glutamic acid 256 with lysine.
Molecular consequence: missense variant.
Genome position (GRCh38, 1-based): chr16:88,428,236, G>A. VCF-style: chr16-88428236-G-A. GRCh37 (hg19) VCF-style: chr16-88494644-G-A.
Other names: short protein forms E256K.
Identifiers: ClinVar variation 2052213 (VCV002052213.4), dbSNP rs2507572449, ClinGen allele CA397061909.